The following is an entry in ClinVar:

NM_003873.7(NRP1):c.399A>G (p.Gly133=)

Gene: NRP1 (neuropilin 1; minus strand). Cytogenetic location: 10p11.22.
Variant type: single nucleotide variant.
Coding change: c.399A>G on transcript NM_003873.7 (MANE Select); coding-DNA position 399, A replaced by G.
Protein change: p.Gly133=; no amino-acid change (glycine 133 retained).
Molecular consequence: synonymous variant.
Genome position (GRCh38, 1-based): chr10:33,270,706, T>C on the plus strand (A>G on the coding strand, the complement: NRP1 is on the minus strand). VCF-style: chr10-33270706-T-C. GRCh37 (hg19) VCF-style: chr10-33559634-T-C.
Other names: c.399A>G, p.Gly133= (NM_001024628.3, NM_001024629.3, NM_001244972.2 and 2 more transcripts).
Identifiers: ClinVar variation 3356224 (VCV003356224.1).
Genomic context (GRCh38, chr10:33,270,706, plus strand): 5'-TCTTGTTCTACCGTAAGCTGTTCACTCACCTCTCTTGAAAATTTCATAACGTATGGAAAA[T>C]CCTGCACCATGTGTTTCGTAGTCAGAGACAAATTTGATAAAAAGAAATGGCCCTGAAGAC-3'
Protein context (NP_003864.5, residues 123-143): FVSDYETHGA[Gly133=]FSIRYEIFKR

ClinVar aggregate classification (germline): Likely benign (0 of 4 stars; one submission).

Conditions:
NRP1-related disorder. Also called: NRP1-related condition.

gnomAD v4.1: 19 of 1,613,688 alleles (0.0012%); highest among the groups gnomAD compares: Non-Finnish European, 0.0014%; no homozygotes.

Submission:

PreventionGenetics, part of Exact Sciences
Classification: Likely benign for NRP1-related condition. Last evaluated: 2023-02-01. Review status: no assertion criteria provided. Collection method: clinical testing. Allele origin: germline.
Comment: This variant is classified as likely benign based on ACMG/AMP sequence variant interpretation guidelines (Richards et al. 2015 PMID: 25741868, with internal and published modifications).